The following is an entry in ClinVar:

NM_021224.6(ZNF462):c.5497G>A (p.Glu1833Lys)

Gene: ZNF462 (zinc finger protein 462; plus strand). Cytogenetic location: 9q31.2.
Variant type: single nucleotide variant.
Coding change: c.5497G>A on transcript NM_021224.6 (MANE Select); coding-DNA position 5497, G replaced by A.
Protein change: p.Glu1833Lys; replaces glutamic acid 1833 with lysine.
Molecular consequence: missense variant. On other transcripts: intron variant (1).
Genome position (GRCh38, 1-based): chr9:106,929,409, G>A. VCF-style: chr9-106929409-G-A. GRCh37 (hg19) VCF-style: chr9-109691690-G-A.
Other names: c.3253-1116G>A (NM_001347997.2); c.5497G>A (NM_021224.5); short protein forms E1833K.
Identifiers: ClinVar variation 2360769 (VCV002360769.4), dbSNP rs117071184, ClinGen allele CA5172017.

ClinVar aggregate classification (germline): Likely benign. Review status: criteria provided, single submitter (1 of 4 stars). 2 submissions from 2 submitters: Likely benign (1). 1 of the submissions does not count toward it. Last evaluated 2021-10-18.

Conditions:
Inborn genetic diseases. Identifiers: MedGen C0950123, MeSH D030342.
ZNF462-related disorder. Also called: ZNF462-related condition; ZNF462 related disease.

Allele frequency attached by ClinVar (database versions not stated): TOPMed 0.00014; ESP Exome Variant Server 0.00015; gnomAD exomes 0.00015; gnomAD 0.00017; ExAC 0.00041; 1000 Genomes Project 30x 0.00125; 1000 Genomes Project 0.00140.
gnomAD v4.1: 279 of 1,614,068 alleles (0.017%); highest among the groups gnomAD compares: East Asian, 0.19%; 1 homozygote.

Submissions (2):

Ambry Genetics
Classification: Likely benign for Inborn genetic diseases. Last evaluated: 2021-10-18. Review status: criteria provided, single submitter. Criteria: Ambry Variant Classification Scheme 2023. Collection method: clinical testing. Allele origin: germline.

PreventionGenetics, part of Exact Sciences
Classification: Likely benign for ZNF462-related condition. Last evaluated: 2022-05-16. Review status: no assertion criteria provided. Collection method: clinical testing. Allele origin: germline. Not counted in ClinVar's aggregate classification.
Comment: This variant is classified as likely benign based on ACMG/AMP sequence variant interpretation guidelines (Richards et al. 2015 PMID: 25741868, with internal and published modifications).